The following is an entry in ClinVar:

NM_001297.5(CNGB1):c.2921T>G (p.Met974Arg)

Gene: CNGB1 (cyclic nucleotide gated channel subunit beta 1; minus strand). Cytogenetic location: 16q21.
Variant type: single nucleotide variant.
Coding change: c.2921T>G on transcript NM_001297.5 (MANE Select); coding-DNA position 2921, T replaced by G.
Protein change: p.Met974Arg; replaces methionine 974 with arginine.
Molecular consequence: missense variant.
Genome position (GRCh38, 1-based): chr16:57,901,407, A>C on the plus strand (T>G on the coding strand, the complement: CNGB1 is on the minus strand). VCF-style: chr16-57901407-A-C. GRCh37 (hg19) VCF-style: chr16-57935311-A-C.
Other names: c.2903T>G, p.Met968Arg (NM_001286130.2); short protein forms M968R, M974R.
Identifiers: ClinVar variation 953517 (VCV000953517.12), dbSNP rs752967885, ClinGen allele CA8082761.

ClinVar aggregate classification (germline): Conflicting classifications of pathogenicity. Review status: criteria provided, conflicting classifications (1 of 4 stars). 4 submissions from 4 submitters: Pathogenic (1); Likely pathogenic (2); Uncertain significance (1). Last evaluated 2025-07-21.

Conditions:
CNGB1-related disorder. Also called: CNGB1-related condition.
Retinitis pigmentosa 45 (RP45). Identifiers: Orphanet 791, MedGen C3151066, MONDO:0013413, OMIM 613767.

Allele frequency attached by ClinVar (database versions not stated): gnomAD 0.00001; TOPMed 0.00003; ExAC 0.00004; gnomAD exomes 0.00004.
gnomAD v4.1: 8 of 1,614,094 alleles (0.0005%); highest among the groups gnomAD compares: East Asian, 0.018%; no homozygotes.

Submissions (4):

Labcorp Genetics (formerly Invitae), Labcorp
Classification: Pathogenic. Last evaluated: 2025-07-21. Review status: criteria provided, single submitter. Criteria: Invitae Variant Classification Sherloc (09022015). Collection method: clinical testing. Allele origin: germline.
Comment: This sequence change replaces methionine, which is neutral and non-polar, with arginine, which is basic and polar, at codon 974 of the CNGB1 protein (p.Met974Arg). This variant is present in population databases (rs752967885, gnomAD 0.05%). This missense change has been observed in individual(s) with clinical features of retinitis pigmentosa (PMID: 31054281, 31960602; internal data). In at least one individual the data is consistent with being in trans (on the opposite chromosome) from a pathogenic variant. ClinVar contains an entry for this variant (Variation ID: 953517). Invitae Evidence Modeling of protein sequence and biophysical properties (such as structural, functional, and spatial information, amino acid conservation, physicochemical variation, residue mobility, and thermodynamic stability) indicates that this missense variant is expected to disrupt CNGB1 protein function with a positive predictive value of 80%. For these reasons, this variant has been classified as Pathogenic.

Blueprint Genetics
Classification: Likely pathogenic for CNGB1-related disorders. Last evaluated: 2024-10-04. Review status: criteria provided, single submitter. Criteria: ACMG Guidelines, 2015. Collection method: clinical testing. Allele origin: germline. Affected: yes. Observed: 5 variant alleles.

Fulgent Genetics
Classification: Likely pathogenic for Retinitis pigmentosa 45. Last evaluated: 2024-03-28. Review status: criteria provided, single submitter. Criteria: ACMG Guidelines, 2015. Collection method: clinical testing. Allele origin: germline.

3billion
Classification: Uncertain significance for Retinitis pigmentosa 45. Last evaluated: 2022-05-22. Review status: criteria provided, single submitter. Criteria: ACMG Guidelines, 2015. Collection method: clinical testing. Allele origin: germline. Affected: yes. Observed: 1 heterozygote.
Comment: The variant is observed at an extremely low frequency in the gnomAD v2.1.1 dataset (total allele frequency: 0.004%). Protein truncation variants are a common disease-causing mechanism. In silico tool predictions suggest damaging effect of the variant on gene or gene product (REVEL: 0.90; 3Cnet: 0.83). Therefore, this variant is classified as uncertain significanceaccording to the recommendation of ACMG/AMP guideline.

Literature cited by the submitters: PubMed 31054281 (cited by Labcorp Genetics (formerly Invitae), Labcorp); PubMed 31960602 (cited by Labcorp Genetics (formerly Invitae), Labcorp).